The following is an entry in ClinVar:

NM_001165963.4(SCN1A):c.2094del (p.His698fs)

Gene: SCN1A (sodium voltage-gated channel alpha subunit 1; minus strand). Cytogenetic location: 2q24.3.
Variant type: Deletion.
Coding change: c.2094del on transcript NM_001165963.4 (MANE Select); coding-DNA position 2094, one base deleted (C; older notation c.2094delC).
Protein change: p.His698fs; shifts the reading frame from histidine 698.
Molecular consequence: frameshift variant. On other transcripts: 5 prime UTR variant (1), non-coding transcript variant (1).
Genome position (GRCh38, 1-based): chr2:166,042,374, G deleted on the plus strand (C on the coding strand, the reverse complement: SCN1A is on the minus strand). VCF-style (leftmost placement, unchanged base first): chr2-166042373-CG-C. GRCh37 (hg19) VCF-style: chr2-166898883-CG-C.
Other names: c.2010del, p.His670fs (NM_001165964.3, NM_001353957.2, NM_001353958.2); c.2094del, p.His698fs (NM_001202435.3, NM_001353948.2); c.2061del, p.His687fs (NM_001353949.2, NM_001353950.2, NM_001353951.2 and 2 more transcripts); c.2058del, p.His686fs (NM_001353954.2, NM_001353955.2); c.2007del, p.His669fs (NM_001353960.2); c.-365del (NM_001353961.2); short protein forms H669fs, H686fs, H698fs, H670fs, H687fs.
Identifiers: ClinVar variation 2705070 (VCV002705070.3), dbSNP rs2468141450, ClinGen allele CA2697551226.

ClinVar aggregate classification (germline): Pathogenic (1 of 4 stars; one submission).

Conditions:
Early-infantile DEE. Also called: Ohtahara syndrome; Early infantile epileptic encephalopathy with suppression bursts; Early infantile epileptic encephalopathy. Identifiers: Orphanet 1934, MedGen C0393706, MONDO:0800491.

Submission:

Labcorp Genetics (formerly Invitae), Labcorp
Classification: Pathogenic for Early-infantile DEE. Last evaluated: 2023-12-23. Review status: criteria provided, single submitter. Criteria: Invitae Variant Classification Sherloc (09022015). Collection method: clinical testing. Allele origin: germline.
Comment: This sequence change creates a premature translational stop signal (p.His698Glnfs*7) in the SCN1A gene. It is expected to result in an absent or disrupted protein product. Loss-of-function variants in SCN1A are known to be pathogenic (PMID: 17347258, 18930999). This variant is not present in population databases (gnomAD no frequency). This variant has not been reported in the literature in individuals affected with SCN1A-related conditions. For these reasons, this variant has been classified as Pathogenic.

Literature cited by the submitters: PubMed 17347258; PubMed 18930999.